The following is an entry in ClinVar:

ClinVar aggregate classification (germline): Pathogenic (1 of 4 stars; one submission).

Submission:

GeneDx
Classification: Pathogenic. Last evaluated: 2016-10-24. Review status: criteria provided, single submitter. Criteria: GeneDx Variant Classification (06012015). Collection method: clinical testing. Allele origin: germline. Affected: yes.
Comment: The Q571X nonsense variant in the ARSE gene is predicted to cause loss of normal protein function through protein truncation, as the final 19 amino acids are lost. Functional studies have shown that residues (e.g. P578) in this lost portion of the protein are critical for the enzyme function (Brunetti-Pierri et al., 2003). The variant was not observed in approximately 6,500 individuals of European and African American ancestry in the NHLBI Exome Sequencing Project, indicating it is not a common benign variant in these populations. Although this pathogenic variant has not been reported previously to our knowledge, its presence is consistent with a diagnosis of X-linked chondrodysplasia punctata.

NM_000047.3(ARSL):c.1711C>T (p.Gln571Ter)

Gene: ARSL (arylsulfatase L; minus strand). Cytogenetic location: Xp22.33.
Variant type: single nucleotide variant.
Coding change: c.1711C>T on transcript NM_000047.3 (MANE Select); coding-DNA position 1711, C replaced by T.
Protein change: p.Gln571Ter; replaces glutamine 571 with a stop codon.
Molecular consequence: nonsense.
Genome position (GRCh38, 1-based): chrX:2,934,891, G>A on the plus strand (C>T on the coding strand, the complement: ARSL is on the minus strand). VCF-style: chrX-2934891-G-A. GRCh37 (hg19) VCF-style: chrX-2852932-G-A.
Other names: c.1786C>T, p.Gln596Ter (NM_001282628.2, NM_001369080.1); c.1549C>T, p.Gln517Ter (NM_001282631.2); c.1738C>T, p.Gln580Ter (NM_001369079.1); short protein forms Q571*, Q580*, Q596*, Q517*.
Identifiers: ClinVar variation 279692 (VCV000279692.2), dbSNP rs886041135, ClinGen allele CA10603720.